The following is an entry in ClinVar:

ClinVar aggregate classification (germline): Uncertain significance (1 of 4 stars; one submission).

Allele frequency attached by ClinVar (database versions not stated): TOPMed below 0.00001; gnomAD 0.00001.
gnomAD v4.1: 1 of 1,613,760 alleles (0.000062%); highest among the groups gnomAD compares: Non-Finnish European, 0.000085%; no homozygotes.

Submission:

GeneDx
Classification: Uncertain significance. Last evaluated: 2023-04-18. Review status: criteria provided, single submitter. Criteria: GeneDx Variant Classification Process June 2021. Collection method: clinical testing. Allele origin: germline. Affected: yes.
Comment: In silico analysis supports that this missense variant does not alter protein structure/function; Has not been previously published as pathogenic or benign to our knowledge

NM_002968.3(SALL1):c.391G>A (p.Val131Ile)

Gene: SALL1 (spalt like transcription factor 1; minus strand). Cytogenetic location: 16q12.1.
Variant type: single nucleotide variant.
Coding change: c.391G>A on transcript NM_002968.3 (MANE Select); coding-DNA position 391, G replaced by A.
Protein change: p.Val131Ile; replaces valine 131 with isoleucine.
Molecular consequence: missense variant.
Genome position (GRCh38, 1-based): chr16:51,141,831, C>T on the plus strand (G>A on the coding strand, the complement: SALL1 is on the minus strand). VCF-style: chr16-51141831-C-T. GRCh37 (hg19) VCF-style: chr16-51175742-C-T.
Other names: c.100G>A, p.Val34Ile (NM_001127892.2); short protein forms V131I, V34I.
Identifiers: ClinVar variation 3252233 (VCV003252233.1), dbSNP rs1333733249.